The following is an entry in ClinVar:

NM_025099.6(CTC1):c.3547G>A (p.Glu1183Lys)

Gene: CTC1 (CST telomere replication complex component 1; minus strand). Cytogenetic location: 17p13.1.
Variant type: single nucleotide variant.
Coding change: c.3547G>A on transcript NM_025099.6 (MANE Select); coding-DNA position 3547, G replaced by A.
Protein change: p.Glu1183Lys; replaces glutamic acid 1183 with lysine.
Molecular consequence: missense variant. On other transcripts: non-coding transcript variant (1).
Genome position (GRCh38, 1-based): chr17:8,228,287, C>T on the plus strand (G>A on the coding strand, the complement: CTC1 is on the minus strand). VCF-style: chr17-8228287-C-T. GRCh37 (hg19) VCF-style: chr17-8131605-C-T.
Other names: c.3316G>A, p.Glu1106Lys (NM_001411067.1); short protein forms E1106K, E1183K.
Identifiers: ClinVar variation 3647623 (VCV003647623.2).

ClinVar aggregate classification (germline): Uncertain significance (1 of 4 stars; one submission).

Conditions:
Dyskeratosis congenita. Identifiers: Orphanet 1775, MedGen C0265965, MONDO:0015780.

Submission:

Labcorp Genetics (formerly Invitae), Labcorp
Classification: Uncertain significance for Dyskeratosis congenita. Last evaluated: 2024-03-26. Review status: criteria provided, single submitter. Criteria: Invitae Variant Classification Sherloc (09022015). Collection method: clinical testing. Allele origin: germline.
Comment: This sequence change replaces glutamic acid, which is acidic and polar, with lysine, which is basic and polar, at codon 1183 of the CTC1 protein (p.Glu1183Lys). This variant is not present in population databases (gnomAD no frequency). This variant has not been reported in the literature in individuals affected with CTC1-related conditions. Algorithms developed to predict the effect of missense changes on protein structure and function output the following: SIFT: "Not Available"; PolyPhen-2: "Benign"; Align-GVGD: "Not Available". The lysine amino acid residue is found in multiple mammalian species, which suggests that this missense change does not adversely affect protein function. In summary, the available evidence is currently insufficient to determine the role of this variant in disease. Therefore, it has been classified as a Variant of Uncertain Significance.